The following is an entry in ClinVar:

ClinVar aggregate classification (germline): Uncertain significance. Review status: criteria provided, multiple submitters, no conflicts (2 of 4 stars). 2 submissions from 2 submitters: Uncertain significance (2). Last evaluated 2022-08-23.

Allele frequency attached by ClinVar (database versions not stated): gnomAD exomes below 0.00001.
gnomAD v4.1: 2 of 1,614,128 alleles (0.00012%); highest among the groups gnomAD compares: South Asian, 0.0011%; no homozygotes.

Submissions (2):

Labcorp Genetics (formerly Invitae), Labcorp
Classification: Uncertain significance. Last evaluated: 2022-08-23. Review status: criteria provided, single submitter. Criteria: Invitae Variant Classification Sherloc (09022015). Collection method: clinical testing. Allele origin: germline.
Comment: This variant has not been reported in the literature in individuals affected with ALPK3-related conditions. In summary, the available evidence is currently insufficient to determine the role of this variant in disease. Therefore, it has been classified as a Variant of Uncertain Significance. Algorithms developed to predict the effect of missense changes on protein structure and function are either unavailable or do not agree on the potential impact of this missense change (SIFT: "Deleterious"; PolyPhen-2: "Possibly Damaging"; Align-GVGD: "Class C0"). This variant is not present in population databases (gnomAD no frequency). This sequence change replaces serine, which is neutral and polar, with phenylalanine, which is neutral and non-polar, at codon 1626 of the ALPK3 protein (p.Ser1626Phe).

Blueprint Genetics
Classification: Uncertain significance. Last evaluated: 2021-03-31. Review status: criteria provided, single submitter. Criteria: ACMG Guidelines, 2015. Collection method: clinical testing. Allele origin: germline.

NM_020778.5(ALPK3):c.4271C>T (p.Ser1424Phe)

Gene: ALPK3 (alpha kinase 3; plus strand). Cytogenetic location: 15q25.3.
Variant type: single nucleotide variant.
Coding change: c.4271C>T on transcript NM_020778.5 (MANE Select); coding-DNA position 4271, C replaced by T.
Protein change: p.Ser1424Phe; replaces serine 1424 with phenylalanine.
Molecular consequence: missense variant.
Genome position (GRCh38, 1-based): chr15:84,862,776, C>T. VCF-style: chr15-84862776-C-T. GRCh37 (hg19) VCF-style: chr15-85406007-C-T.
Other names: short protein forms S1424F.
Identifiers: ClinVar variation 2041077 (VCV002041077.5), dbSNP rs2505727490, ClinGen allele CA393362990.